The following is an entry in ClinVar:

ClinVar aggregate classification (germline): Uncertain significance (1 of 4 stars; one submission).

gnomAD v4.1: 3 of 1,536,008 alleles (0.0002%); highest among the groups gnomAD compares: Admixed American, 0.0039%; no homozygotes.

Submission:

Labcorp Genetics (formerly Invitae), Labcorp
Classification: Uncertain significance. Last evaluated: 2025-09-24. Review status: criteria provided, single submitter. Criteria: Invitae Variant Classification Sherloc (09022015). Collection method: clinical testing. Allele origin: germline.
Comment: The FMN1 gene has multiple clinically relevant transcripts. This variant occurs in alternate transcript NM_001277314.1, and corresponds to NM_001103184.3:c.-86226C>T in the primary transcript. This sequence change replaces proline, which is neutral and non-polar, with serine, which is neutral and polar, at codon 269 of the FMN1 protein (p.Pro269Ser). This variant is present in population databases (no rsID available, gnomAD 0.008%). This variant has not been reported in the literature in individuals affected with FMN1-related conditions. Experimental studies and prediction algorithms are not available or were not evaluated, and the functional significance of this variant is currently unknown. In summary, the available evidence is currently insufficient to determine the role of this variant in disease. Therefore, it has been classified as a Variant of Uncertain Significance.

NM_001277313.2(FMN1):c.805C>T (p.Pro269Ser)

Gene: FMN1 (formin 1; minus strand). Cytogenetic location: 15q13.3.
Variant type: single nucleotide variant.
Coding change: c.805C>T on transcript NM_001277313.2 (MANE Select); coding-DNA position 805, C replaced by T.
Protein change: p.Pro269Ser; replaces proline 269 with serine.
Molecular consequence: missense variant.
Genome position (GRCh38, 1-based): chr15:33,154,110, G>A on the plus strand (C>T on the coding strand, the complement: FMN1 is on the minus strand). VCF-style: chr15-33154110-G-A. GRCh37 (hg19) VCF-style: chr15-33446311-G-A.
Other names: c.805C>T, p.Pro269Ser (NM_001277314.2); short protein forms P269S.
Identifiers: ClinVar variation 4695015 (VCV004695015.1).